The following is an entry in ClinVar:

NM_000165.5(GJA1):c.904A>G (p.Asn302Asp)

Gene: GJA1 (gap junction protein alpha 1; plus strand). Cytogenetic location: 6q22.31.
Variant type: single nucleotide variant.
Coding change: c.904A>G on transcript NM_000165.5 (MANE Select); coding-DNA position 904, A replaced by G.
Protein change: p.Asn302Asp; replaces asparagine 302 with aspartic acid.
Molecular consequence: missense variant.
Genome position (GRCh38, 1-based): chr6:121,447,751, A>G. VCF-style: chr6-121447751-A-G. GRCh37 (hg19) VCF-style: chr6-121768897-A-G.
Other names: short protein forms N302D.
Identifiers: ClinVar variation 3613053 (VCV003613053.2).
Genomic context (GRCh38, chr6:121,447,751, plus strand): 5'-TCTCCTCCTGGGTACAAGCTGGTTACTGGCGACAGAAACAATTCTTCTTGCCGCAATTAC[A>G]ACAAGCAAGCAAGTGAGCAAAACTGGGCTAATTACAGTGCAGAACAAAATCGAATGGGGC-3'
Protein context (NP_000156.1, residues 292-312): DRNNSSCRNY[Asn302Asp]KQASEQNWAN

ClinVar aggregate classification (germline): Uncertain significance (1 of 4 stars; one submission).

Conditions:
Oculodentodigital dysplasia, autosomal recessive. Also called: OCULODENTOOSSEOUS DYSPLASIA, AUTOSOMAL RECESSIVE; ODDD, AUTOSOMAL RECESSIVE; ODOD, AUTOSOMAL RECESSIVE. Identifiers: Orphanet 2710, MedGen C2749477, MONDO:0009768, OMIM 257850.

gnomAD v4.1: 5 of 1,613,914 alleles (0.00031%); highest among the groups gnomAD compares: Non-Finnish European, 0.00042%; no homozygotes.

Submission:

Labcorp Genetics (formerly Invitae), Labcorp
Classification: Uncertain significance for Oculodentodigital dysplasia, autosomal recessive. Last evaluated: 2024-06-21. Review status: criteria provided, single submitter. Criteria: Invitae Variant Classification Sherloc (09022015). Collection method: clinical testing. Allele origin: germline.
Comment: This sequence change replaces asparagine, which is neutral and polar, with aspartic acid, which is acidic and polar, at codon 302 of the GJA1 protein (p.Asn302Asp). This variant is present in population databases (rs775532447, gnomAD 0.0009%). This variant has not been reported in the literature in individuals affected with GJA1-related conditions. Advanced modeling of protein sequence and biophysical properties (such as structural, functional, and spatial information, amino acid conservation, physicochemical variation, residue mobility, and thermodynamic stability) performed at Invitae indicates that this missense variant is not expected to disrupt GJA1 protein function with a negative predictive value of 80%. In summary, the available evidence is currently insufficient to determine the role of this variant in disease. Therefore, it has been classified as a Variant of Uncertain Significance.